The following is an entry in ClinVar:

ClinVar aggregate classification (germline): Uncertain significance. Review status: criteria provided, multiple submitters, no conflicts (2 of 4 stars). 2 submissions from 2 submitters: Uncertain significance (2). Last evaluated 2024-11-19.

Conditions:
Cornelia de Lange syndrome 1 (CDLS1). Also called: Brachmann de Lange syndrome; NIPBL-Related Cornelia de Lange Syndrome; TYPUS DEGENERATIVUS AMSTELODAMENSIS. Identifiers: Orphanet 199, MedGen C4551851, MONDO:0007387, OMIM 122470.

Allele frequency attached by ClinVar (database versions not stated): gnomAD exomes below 0.00001; TOPMed below 0.00001.
gnomAD v4.1: 3 of 1,612,696 alleles (0.00019%); highest among the groups gnomAD compares: African/African-American, 0.0027%; no homozygotes.

Submissions (2):

Revvity Omics, Revvity
Classification: Uncertain significance for Cornelia de Lange syndrome 1. Last evaluated: 2024-11-19. Review status: criteria provided, single submitter. Criteria: ACMG Guidelines, 2015. Collection method: clinical testing. Allele origin: germline.

GeneDx
Classification: Uncertain significance. Last evaluated: 2018-09-06. Review status: criteria provided, single submitter. Criteria: GeneDx Variant Classification (06012015). Collection method: clinical testing. Allele origin: germline. Affected: yes.
Comment: The Q425E variant in the NIPBL gene has not been published as a pathogenic variant, nor has it been reported as a benign polymorphism to our knowledge. The Q425E variant was not observed in approximately 6500 individuals of European and African American ancestry in the NHLBI Exome Sequencing Project, indicating it is not a common variant in these populations. The Q425E variant is a semi-conservative amino acid substitution, which occurs in the Gln-rich Compositional bias region at a position that is conserved through mammals. In silico analysis predicts this variant likely does not alter the protein structure/function. We interpret Q425E as a variant of unknown significance.

NM_133433.4(NIPBL):c.1273C>G (p.Gln425Glu)

Gene: NIPBL (NIPBL cohesin loading factor; plus strand). Cytogenetic location: 5p13.2.
Variant type: single nucleotide variant.
Coding change: c.1273C>G on transcript NM_133433.4 (MANE Select); coding-DNA position 1273, C replaced by G.
Protein change: p.Gln425Glu; replaces glutamine 425 with glutamic acid.
Molecular consequence: missense variant.
Genome position (GRCh38, 1-based): chr5:36,976,180, C>G. VCF-style: chr5-36976180-C-G. GRCh37 (hg19) VCF-style: chr5-36976282-C-G.
Other names: c.1273C>G, p.Gln425Glu (NM_015384.5); short protein forms Q425E.
Identifiers: ClinVar variation 431862 (VCV000431862.5), dbSNP rs1554015229, ClinGen allele CA359486221.